The following is an entry in ClinVar:

ClinVar aggregate classification (germline): Uncertain significance. Review status: criteria provided, multiple submitters, no conflicts (2 of 4 stars). 2 submissions from 2 submitters: Uncertain significance (2). Last evaluated 2025-07-25.

Conditions:
Marfan syndrome (MFS). Also called: MARFAN SYNDROME, TYPE I; Marfan syndrome type 1; Marfan's syndrome; Marfan syndrome, classic; FBN1-Related Marfan Syndrome. Identifiers: Orphanet 284963, Orphanet 558, MedGen C0024796, MONDO:0007947, OMIM 154700.
Familial thoracic aortic aneurysm and aortic dissection (TAAD). Also called: Thoracic aortic aneurysms and dissections. Identifiers: Orphanet 91387, MedGen C4707243, MONDO:0019625.

Allele frequency attached by ClinVar (database versions not stated): gnomAD exomes below 0.00001.
gnomAD v4.1: 1 of 1,612,958 alleles (0.000062%); highest among the groups gnomAD compares: Non-Finnish European, 0.000085%; no homozygotes.

Submissions (2):

Color Diagnostics, LLC DBA Color Health
Classification: Uncertain significance for Familial thoracic aortic aneurysm and aortic dissection. Last evaluated: 2025-07-25. Review status: criteria provided, single submitter. Criteria: ACMG Guidelines, 2015. Collection method: clinical testing. Allele origin: germline.
Comment: This missense variant replaces serine with leucine at codon 932 of the FBN1 protein. Computational prediction suggests that this variant may have deleterious impact on protein structure and function. To our knowledge, functional studies have not been reported for this variant. This variant has not been reported in individuals affected with FBN1-related disorders in the literature. This variant has not been identified in the general population by the Genome Aggregation Database (gnomAD). The available evidence is insufficient to determine the role of this variant in disease conclusively. Therefore, this variant is classified as a Variant of Uncertain Significance.

All of Us Research Program, National Institutes of Health
Classification: Uncertain significance for Marfan syndrome. Last evaluated: 2023-04-03. Review status: criteria provided, single submitter. Criteria: ACMG Guidelines, 2015. Collection method: clinical testing. Allele origin: germline. Inheritance: Autosomal dominant inheritance. Observed: 1 variant allele, 1 heterozygote.
Comment: This missense variant replaces serine with leucine at codon 932 of the FBN1 protein. Computational prediction suggests that this variant may have deleterious impact on protein structure and function (internally defined REVEL score threshold >= 0.7, PMID: 27666373). To our knowledge, functional studies have not been reported for this variant. This variant has not been reported in individuals affected with FBN1-related disorders in the literature. This variant has not been identified in the general population by the Genome Aggregation Database (gnomAD). The available evidence is insufficient to determine the role of this variant in disease conclusively. Therefore, this variant is classified as a Variant of Uncertain Significance.

This study involves interpretation of variants in research participants for the purpose of population health screening. Participant phenotype was not available at the time of variant classification. Additional details can be found in publication PMID: 35346344, PMCID: PMC8962531

NM_000138.5(FBN1):c.2795C>T (p.Ser932Leu)

Gene: FBN1 (fibrillin 1; minus strand). Cytogenetic location: 15q21.1.
Variant type: single nucleotide variant.
Coding change: c.2795C>T on transcript NM_000138.5 (MANE Select); coding-DNA position 2795, C replaced by T.
Protein change: p.Ser932Leu; replaces serine 932 with leucine.
Molecular consequence: missense variant.
Genome position (GRCh38, 1-based): chr15:48,492,520, G>A on the plus strand (C>T on the coding strand, the complement: FBN1 is on the minus strand). VCF-style: chr15-48492520-G-A. GRCh37 (hg19) VCF-style: chr15-48784717-G-A.
Other names: c.2795C>T, p.Ser932Leu (NM_001406716.1); short protein forms S932L.
Identifiers: ClinVar variation 3070180 (VCV003070180.2), dbSNP rs2505564482, ClinGen allele CA392330644.